The following is an entry in ClinVar:

ClinVar aggregate classification (germline): Uncertain significance (0 of 4 stars; one submission).

Conditions:
STXBP5-related disorder. Also called: STXBP5-related condition.

Submission:

PreventionGenetics, part of Exact Sciences
Classification: Uncertain significance for STXBP5-related condition. Last evaluated: 2024-02-08. Review status: no assertion criteria provided. Collection method: clinical testing. Allele origin: germline.
Comment: The STXBP5 c.2050T>G variant is predicted to result in the amino acid substitution p.Ser684Ala. To our knowledge, this variant has not been reported in the literature or in a large population database, indicating this variant is rare. At this time, the clinical significance of this variant is uncertain due to the absence of conclusive functional and genetic evidence.

NM_001127715.4(STXBP5):c.2050T>G (p.Ser684Ala)

Gene: STXBP5 (syntaxin binding protein 5; plus strand). Cytogenetic location: 6q24.3.
Variant type: single nucleotide variant.
Coding change: c.2050T>G on transcript NM_001127715.4 (MANE Select); coding-DNA position 2050, T replaced by G.
Protein change: p.Ser684Ala; replaces serine 684 with alanine.
Molecular consequence: missense variant.
Genome position (GRCh38, 1-based): chr6:147,327,246, T>G. VCF-style: chr6-147327246-T-G. GRCh37 (hg19) VCF-style: chr6-147648382-T-G.
Other names: c.2050T>G, p.Ser684Ala (NM_001394409.1, NM_139244.6); short protein forms S684A.
Identifiers: ClinVar variation 3061055 (VCV003061055.2), dbSNP rs2534242159, ClinGen allele CA365979590.
Genomic context (GRCh38, chr6:147,327,246, plus strand): 5'-CTCAACCTGGGCACTATTGAATTATATGGCTCTAATGATCCTTATCGGAGAGAACCCCGA[T>G]CTCCTCGTAAATCTCGACAGCCTTCAGGAGGTAAAAAGAAAAGAAAAGAAAATTCTGAGC-3'
Protein context (NP_001121187.1, residues 674-694): SNDPYRREPR[Ser684Ala]PRKSRQPSGA